The following is an entry in ClinVar:

NM_001379081.2(FREM1):c.2587C>G (p.Leu863Val)

Gene: FREM1 (FRAS1 related extracellular matrix 1; minus strand). Cytogenetic location: 9p22.3.
Variant type: single nucleotide variant.
Coding change: c.2587C>G on transcript NM_001379081.2 (MANE Select); coding-DNA position 2587, C replaced by G.
Protein change: p.Leu863Val; replaces leucine 863 with valine.
Molecular consequence: missense variant. On other transcripts: non-coding transcript variant (2).
Genome position (GRCh38, 1-based): chr9:14,816,831, G>C on the plus strand (C>G on the coding strand, the complement: FREM1 is on the minus strand). VCF-style: chr9-14816831-G-C. GRCh37 (hg19) VCF-style: chr9-14816829-G-C.
Other names: c.2587C>G, p.Leu863Val (NM_144966.7); short protein forms L863V.
Identifiers: ClinVar variation 194680 (VCV000194680.21), dbSNP rs7041710, ClinGen allele CA201297.

ClinVar aggregate classification (germline): Benign. Review status: criteria provided, multiple submitters, no conflicts (2 of 4 stars). 7 submissions from 7 submitters: Benign (7). Last evaluated 2026-02-04.

Conditions:
Oculotrichoanal syndrome (MOTA). Also called: MARLES SYNDROME; Manitoba Oculotrichoanal (MOTA) Syndrome. Identifiers: Orphanet 2717, MedGen C1855425, MONDO:0009560, OMIM 248450.

Allele frequency attached by ClinVar (database versions not stated): gnomAD exomes 0.11510; TOPMed 0.12748; gnomAD 0.12780 and 0.12826; ESP Exome Variant Server 0.12802; 1000 Genomes Project 0.13339; 1000 Genomes Project 30x 0.13523; ExAC 0.20369.

Submissions (7):

Labcorp Genetics (formerly Invitae), Labcorp
Classification: Benign. Last evaluated: 2026-02-04. Review status: criteria provided, single submitter. Criteria: Invitae Variant Classification Sherloc (09022015). Collection method: clinical testing. Allele origin: germline.

Blueprint Genetics
Classification: Benign. Last evaluated: 2024-11-27. Review status: criteria provided, single submitter. Criteria: ACMG Guidelines, 2015. Collection method: clinical testing. Allele origin: germline.

Mayo Clinic Laboratories, Mayo Clinic
Classification: Benign. Last evaluated: 2023-04-03. Review status: criteria provided, single submitter. Criteria: ACMG Guidelines, 2015. Collection method: clinical testing. Allele origin: germline. Observed: 12 variant alleles.

GeneDx
Classification: Benign. Last evaluated: 2021-05-04. Review status: criteria provided, single submitter. Criteria: GeneDx Variant Classification Process June 2021. Collection method: clinical testing. Allele origin: germline. Affected: yes.

Illumina Laboratory Services, Illumina
Classification: Benign for Oculotrichoanal syndrome. Last evaluated: 2018-01-13. Review status: criteria provided, single submitter. Criteria: ICSL Variant Classification Criteria 13 December 2019. Collection method: clinical testing. Allele origin: germline.
Comment: This variant was observed in the ICSL laboratory as part of a predisposition screen in an ostensibly healthy population. It had not been previously curated by ICSL or reported in the Human Gene Mutation Database (HGMD: prior to June 1st, 2018), and was therefore a candidate for classification through an automated scoring system. Utilizing variant allele frequency, disease prevalence and penetrance estimates, and inheritance mode, an automated score was calculated to assess if this variant is too frequent to cause the disease. Based on the score and internal cut-off values, a variant classified as benign is not then subjected to further curation. The score for this variant resulted in a classification of benign for this disease.

Eurofins Ntd Llc (ga)
Classification: Benign. Last evaluated: 2015-08-10. Review status: criteria provided, single submitter. Criteria: EGL Classification Definitions 2015. Collection method: clinical testing. Allele origin: germline. Observed: 14 variant alleles, 12 heterozygotes, 2 homozygotes.

Breakthrough Genomics
Classification: Benign. Review status: criteria provided, single submitter. Criteria: ACMG Guidelines, 2015. Collection method: not provided. Allele origin: germline. Inheritance: Autosomal recessive inheritance. Affected: yes.